The following is an entry in ClinVar:

NM_004369.4(COL6A3):c.5252C>T (p.Thr1751Met)

Gene: COL6A3 (collagen type VI alpha 3 chain; minus strand). Cytogenetic location: 2q37.3.
Variant type: single nucleotide variant.
Coding change: c.5252C>T on transcript NM_004369.4 (MANE Select); coding-DNA position 5252, C replaced by T.
Protein change: p.Thr1751Met; replaces threonine 1751 with methionine.
Molecular consequence: missense variant.
Genome position (GRCh38, 1-based): chr2:237,366,935, G>A on the plus strand (C>T on the coding strand, the complement: COL6A3 is on the minus strand). VCF-style: chr2-237366935-G-A. GRCh37 (hg19) VCF-style: chr2-238275578-G-A.
Other names: c.3431C>T, p.Thr1144Met (NM_057166.5); c.4634C>T, p.Thr1545Met (NM_057167.4); short protein forms T1751M, T1545M, T1144M.
Identifiers: ClinVar variation 335120 (VCV000335120.15), dbSNP rs201147199, ClinGen allele CA2188712.
Genomic context (GRCh38, chr2:237,366,935, plus strand): 5'-ACCCCCCTCTGGGTGAGGGCCAGGCTCACATCCTGTGCATCTTCCACCGACTTTCCTCCC[G>A]TGATCACAAAGGCAATCTGAGGGACCCGCTGGTCCAGGCGGCTGCCTGCCTCAGGCACAA-3'
Protein context (NP_004360.2, residues 1741-1761): QRVPQIAFVI[Thr1751Met]GGKSVEDAQD

ClinVar aggregate classification (germline): Conflicting classifications of pathogenicity. Review status: criteria provided, conflicting classifications (1 of 4 stars). 3 submissions from 3 submitters: Uncertain significance (1); Benign (2). Last evaluated 2025-12-13.

Conditions:
Inborn genetic diseases. Identifiers: MedGen C0950123, MeSH D030342.
Collagen 6-related myopathy. Identifiers: MedGen CN117976, MONDO:0100225.
Bethlem myopathy 1A. Also called: MYOPATHY, BENIGN CONGENITAL, WITH CONTRACTURES; Bethlem myopathy 1; Bethlem Muscular Dystrophy. Identifiers: Orphanet 610, MedGen CN029274, MONDO:0024530, OMIM 158810.

Allele frequency attached by ClinVar (database versions not stated): 1000 Genomes Project 0.00020; 1000 Genomes Project 30x 0.00031; gnomAD 0.00001 and 0.00002; gnomAD exomes 0.00002 and 0.00007; ExAC 0.00005; TOPMed 0.00005.
gnomAD v4.1: 40 of 1,614,210 alleles (0.0025%); highest among the groups gnomAD compares: East Asian, 0.025%; no homozygotes.

Submissions (3):

Labcorp Genetics (formerly Invitae), Labcorp
Classification: Benign for Bethlem myopathy 1A. Last evaluated: 2025-12-13. Review status: criteria provided, single submitter. Criteria: Invitae Variant Classification Sherloc (09022015). Collection method: clinical testing. Allele origin: germline.

Ambry Genetics
Classification: Uncertain significance for Inborn genetic diseases. Last evaluated: 2023-06-05. Review status: criteria provided, single submitter. Criteria: Ambry Variant Classification Scheme 2023. Collection method: clinical testing. Allele origin: germline.

Illumina Laboratory Services, Illumina
Classification: Benign for Collagen VI-related myopathy. Last evaluated: 2018-01-12. Review status: criteria provided, single submitter. Criteria: ICSL Variant Classification Criteria 13 December 2019. Collection method: clinical testing. Allele origin: germline.
Comment: This variant was observed in the ICSL laboratory as part of a predisposition screen in an ostensibly healthy population. It had not been previously curated by ICSL or reported in the Human Gene Mutation Database (HGMD: prior to June 1st, 2018), and was therefore a candidate for classification through an automated scoring system. Utilizing variant allele frequency, disease prevalence and penetrance estimates, and inheritance mode, an automated score was calculated to assess if this variant is too frequent to cause the disease. Based on the score and internal cut-off values, a variant classified as benign is not then subjected to further curation. The score for this variant resulted in a classification of benign for this disease.